The following is an entry in ClinVar:

NM_004114.5(FGF13):c.41G>C (p.Arg14Thr)

Gene: FGF13 (fibroblast growth factor 13; minus strand). Cytogenetic location: Xq26.3.
Variant type: single nucleotide variant.
Coding change: c.41G>C on transcript NM_004114.5 (MANE Select); coding-DNA position 41, G replaced by C.
Protein change: p.Arg14Thr; replaces arginine 14 with threonine.
Molecular consequence: missense variant. On other transcripts: intron variant (5).
Genome position (GRCh38, 1-based): chrX:138,710,963, C>G on the plus strand (G>C on the coding strand, the complement: FGF13 is on the minus strand). VCF-style: chrX-138710963-C-G. GRCh37 (hg19) VCF-style: chrX-137793125-C-G.
Other names: c.50-2035G>C (NM_001139498.2); c.218-2035G>C (NM_001139500.2); c.131-2035G>C (NM_001139501.2, NM_001139502.2); c.29-2035G>C (NM_033642.3); c.41G>C (NM_004114.3); short protein forms R14T.
Identifiers: ClinVar variation 997408 (VCV000997408.4), dbSNP rs2090039606, ClinGen allele CA414463313.

ClinVar aggregate classification (germline): Pathogenic. Review status: criteria provided, single submitter (1 of 4 stars). 2 submissions from 2 submitters: Pathogenic (1). 1 of the submissions does not count toward it. Last evaluated 2025-03-11.

Conditions:
Developmental and epileptic encephalopathy, 90. Identifiers: MedGen C5542345, MONDO:0025353, OMIM 301058.

Submissions (2):

GeneDx
Classification: Pathogenic. Last evaluated: 2025-03-11. Review status: criteria provided, single submitter. Criteria: GeneDx Variant Classification Process June 2021. Collection method: clinical testing. Allele origin: germline.
Comment: Published functional studies demonstrate a damaging effect on long-term inactivation of voltage-gated sodium channels (PMID: 33245860); Not observed at significant frequency in large population cohorts (gnomAD); In silico analysis indicates that this missense variant does not alter protein structure/function; This variant is associated with the following publications: (PMID: 37536293, 33245860)

OMIM
Classification: Pathogenic for DEVELOPMENTAL AND EPILEPTIC ENCEPHALOPATHY 90. Last evaluated: 2021-02-19. Review status: no assertion criteria provided. Collection method: literature only. Allele origin: germline. Not counted in ClinVar's aggregate classification.

Literature cited by the submitters: PubMed 33245860 (cited by OMIM).